The following is an entry in ClinVar:

ClinVar aggregate classification (germline): Pathogenic (1 of 4 stars; one submission).

Conditions:
Autosomal recessive polycystic kidney disease (ARPKD). Also called: AR polycystic kidney disease. Identifiers: Orphanet 731, Orphanet 8378, MedGen C0085548, MeSH D017044, MONDO:0009889.

Submission:

Labcorp Genetics (formerly Invitae), Labcorp
Classification: Pathogenic for Autosomal recessive polycystic kidney disease. Last evaluated: 2023-11-28. Review status: criteria provided, single submitter. Criteria: Invitae Variant Classification Sherloc (09022015). Collection method: clinical testing. Allele origin: germline.
Comment: This sequence change creates a premature translational stop signal (p.Arg274Asnfs*11) in the PKHD1 gene. It is expected to result in an absent or disrupted protein product. Loss-of-function variants in PKHD1 are known to be pathogenic (PMID: 19940839). This variant is not present in population databases (gnomAD no frequency). This variant has not been reported in the literature in individuals affected with PKHD1-related conditions. For these reasons, this variant has been classified as Pathogenic.

Literature cited by the submitters: PubMed 19940839.

NM_138694.4(PKHD1):c.821_822del (p.Arg274fs)

Gene: PKHD1 (PKHD1 ciliary IPT domain containing fibrocystin/polyductin; minus strand). Cytogenetic location: 6p12.2.
Variant type: Deletion.
Coding change: c.821_822del on transcript NM_138694.4 (MANE Select); coding-DNA positions 821 to 822, 2 bases deleted (GA; older notation c.821_822delGA).
Protein change: p.Arg274fs; shifts the reading frame from arginine 274.
Molecular consequence: frameshift variant.
Genome position (GRCh38, 1-based): chr6:52,066,034-52,066,035, TC deleted on the plus strand (GA on the coding strand, the reverse complement: PKHD1 is on the minus strand); deleting any 2 consecutive bases within chr6:52,066,034-52,066,036 gives the same sequence; the c. name uses the placement nearest the transcript's 3' end. VCF-style (leftmost placement, unchanged base first): chr6-52066033-TTC-T. GRCh37 (hg19) VCF-style: chr6-51930831-TTC-T.
Other names: c.821_822del, p.Arg274fs (NM_170724.3); short protein forms R274fs.
Identifiers: ClinVar variation 2699460 (VCV002699460.3), dbSNP rs2533507786, ClinGen allele CA2697553419.